The following is an entry in ClinVar:

NM_199242.3(UNC13D):c.1843G>T (p.Asp615Tyr)

Gene: UNC13D (unc-13 homolog D; minus strand). Cytogenetic location: 17q25.1.
Variant type: single nucleotide variant.
Coding change: c.1843G>T on transcript NM_199242.3 (MANE Select); coding-DNA position 1843, G replaced by T.
Protein change: p.Asp615Tyr; replaces aspartic acid 615 with tyrosine.
Molecular consequence: missense variant.
Genome position (GRCh38, 1-based): chr17:75,835,414, C>A on the plus strand (G>T on the coding strand, the complement: UNC13D is on the minus strand). VCF-style: chr17-75835414-C-A. GRCh37 (hg19) VCF-style: chr17-73831495-C-A.
Other names: short protein forms D615Y.
Identifiers: ClinVar variation 4992500 (VCV004992500.1).
Genomic context (GRCh38, chr17:75,835,414, plus strand): 5'-CCCAAGCCTCACCCCCAAACCGGGGCCCCGCCCCCTGCCCTGGCCACGCCCCCACCTCAT[C>A]CATCTGCACAGCGCGCTGCACCCGCGCCAGGGCCTCGTTGTACGTCTTCTGCAGCCAGGA-3'
Protein context (NP_954712.1, residues 605-625): LARVQRAVQM[Asp615Tyr]ELVPLGELTK

ClinVar aggregate classification (germline): Uncertain significance (1 of 4 stars; one submission).

Conditions:
UNC13D-related disorder. Also called: UNC13D-related condition.

Submission:

PreventionGenetics, part of Exact Sciences
Classification: Uncertain significance for UNC13D-related condition. Last evaluated: 2026-03-26. Review status: criteria provided, single submitter. Criteria: ACMG Guidelines, 2015. Collection method: clinical testing. Allele origin: germline.
Comment: The UNC13D c.1843G>T variant is predicted to result in the amino acid substitution p.Asp615Tyr. To our knowledge, this variant has not been reported in the literature or in a large population database (gnomAD), indicating this variant is rare. An alternative substituion affecting the same amino acid (p.Asp615Gly) has been reported in an individual with familial hemophagocytic lymphohistiocytosis (Table S1, Shabrish et al. 2021. PubMed ID: 33746956). At this time, the clinical significance of this variant is uncertain due to the absence of conclusive functional and genetic evidence.